The following is an entry in ClinVar:

NM_001042492.3(NF1):c.5844C>A (p.Tyr1948Ter)

Gene: NF1 (neurofibromin 1; plus strand). Cytogenetic location: 17q11.2.
Variant type: single nucleotide variant.
Coding change: c.5844C>A on transcript NM_001042492.3 (MANE Select); coding-DNA position 5844, C replaced by A.
Protein change: p.Tyr1948Ter; replaces tyrosine 1948 with a stop codon.
Molecular consequence: nonsense.
Genome position (GRCh38, 1-based): chr17:31,334,869, C>A. VCF-style: chr17-31334869-C-A. GRCh37 (hg19) VCF-style: chr17-29661887-C-A.
Other names: c.5781C>A, p.Tyr1927Ter (NM_000267.4); short protein forms Y1948*, Y1927*.
Identifiers: ClinVar variation 2910424 (VCV002910424.3), dbSNP rs1373088315, ClinGen allele CA399010622.

ClinVar aggregate classification (germline): Pathogenic (1 of 4 stars; one submission).

Conditions:
Neurofibromatosis, type 1 (NF1). Also called: Neurofibromatosis, type I; NEUROFIBROMATOSIS, TYPE I, SOMATIC; Peripheral type neurofibromatosis; VON RECKLINGHAUSEN DISEASE. Identifiers: Orphanet 636, MedGen C0027831, MONDO:0018975, OMIM 162200. Disease mechanism: loss of function.

Submission:

Labcorp Genetics (formerly Invitae), Labcorp
Classification: Pathogenic for Neurofibromatosis, type 1. Last evaluated: 2025-01-20. Review status: criteria provided, single submitter. Criteria: Invitae Variant Classification Sherloc (09022015). Collection method: clinical testing. Allele origin: germline.
Comment: This sequence change creates a premature translational stop signal (p.Tyr1927*) in the NF1 gene. It is expected to result in an absent or disrupted protein product. Loss-of-function variants in NF1 are known to be pathogenic (PMID: 10712197, 23913538). This variant is not present in population databases (gnomAD no frequency). This premature translational stop signal has been observed in individual(s) with clinical features of NF1-related conditions (PMID: 30290804). This variant is also known as c.5844C>A. ClinVar contains an entry for this variant (Variation ID: 2910424). For these reasons, this variant has been classified as Pathogenic.

Literature cited by the submitters: PubMed 10712197; PubMed 23913538; PubMed 30290804.